The following is an entry in ClinVar:

ClinVar aggregate classification (germline): Uncertain significance. Review status: criteria provided, multiple submitters, no conflicts (2 of 4 stars). 2 submissions from 2 submitters: Uncertain significance (2). Last evaluated 2025-12-12.

Conditions:
Hereditary cancer-predisposing syndrome. Also called: Hereditary neoplastic syndrome; Neoplastic Syndromes, Hereditary; Tumor predisposition; Hereditary Cancer Syndrome. Identifiers: Orphanet 140162, MedGen C0027672, MeSH D009386, MONDO:0015356.
Familial adenomatous polyposis 1 (FAP1). Also called: FAMILIAL ADENOMATOUS POLYPOSIS 1, ATTENUATED; POLYPOSIS, ADENOMATOUS INTESTINAL. Identifiers: MedGen C2713442, MONDO:0021056, OMIM 175100. Disease mechanism: loss of function.

gnomAD v4.1: 1 of 1,612,404 alleles (0.000062%); highest among the groups gnomAD compares: Middle Eastern, 0.017%; no homozygotes.

Submissions (2):

Ambry Genetics
Classification: Uncertain significance for Hereditary cancer-predisposing syndrome. Last evaluated: 2025-12-12. Review status: criteria provided, single submitter. Criteria: Ambry Variant Classification Scheme 2023. Collection method: clinical testing. Allele origin: germline.
Comment: The p.S296N variant (also known as c.887G>A), located in coding exon 8 of the APC gene, results from a G to A substitution at nucleotide position 887. The serine at codon 296 is replaced by asparagine, an amino acid with highly similar properties. This amino acid position is well conserved in available vertebrate species. In addition, in silico predictors for this gene do not accurately predict pathogenicity. Missense variants in APC are not a common cause of disease (Spier I et al. Genet Med. 2024 Feb;26(2):100992). Based on the available evidence, the clinical significance of this variant remains unclear.

Labcorp Genetics (formerly Invitae), Labcorp
Classification: Uncertain significance for Familial adenomatous polyposis 1. Last evaluated: 2021-12-11. Review status: criteria provided, single submitter. Criteria: Invitae Variant Classification Sherloc (09022015). Collection method: clinical testing. Allele origin: germline.
Comment: This sequence change replaces serine, which is neutral and polar, with asparagine, which is neutral and polar, at codon 296 of the APC protein (p.Ser296Asn). This variant is not present in population databases (gnomAD no frequency). This variant has not been reported in the literature in individuals affected with APC-related conditions. ClinVar contains an entry for this variant (Variation ID: 946413). Algorithms developed to predict the effect of missense changes on protein structure and function (SIFT, PolyPhen-2, Align-GVGD) all suggest that this variant is likely to be tolerated. In summary, the available evidence is currently insufficient to determine the role of this variant in disease. Therefore, it has been classified as a Variant of Uncertain Significance.

NM_000038.6(APC):c.887G>A (p.Ser296Asn)

Gene: APC (APC regulator of Wnt signaling pathway; plus strand). Cytogenetic location: 5q22.2.
Variant type: single nucleotide variant.
Coding change: c.887G>A on transcript NM_000038.6 (MANE Select); coding-DNA position 887, G replaced by A.
Protein change: p.Ser296Asn; replaces serine 296 with asparagine.
Molecular consequence: missense variant.
Genome position (GRCh38, 1-based): chr5:112,815,547, G>A. VCF-style: chr5-112815547-G-A. GRCh37 (hg19) VCF-style: chr5-112151244-G-A.
Other names: c.887G>A, p.Ser296Asn (NM_001127510.3, NM_001354895.2, NM_001354896.2 and 1 more transcripts); c.833G>A, p.Ser278Asn (NM_001127511.3); c.917G>A, p.Ser306Asn (NM_001354897.2, NM_001354902.2); c.812G>A, p.Ser271Asn (NM_001354898.2, NM_001354904.2); c.803G>A, p.Ser268Asn (NM_001354899.2); c.710G>A, p.Ser237Asn (NM_001354900.2, NM_001354901.2, NM_001354905.2); c.38G>A, p.Ser13Asn (NM_001354906.2); short protein forms S13N, S268N, S296N, S306N, S237N, S271N, S278N.
Identifiers: ClinVar variation 946413 (VCV000946413.11), dbSNP rs1762421045, ClinGen allele CA16023257.